The following is an entry in ClinVar:

ClinVar aggregate classification (germline): Benign/Likely benign. Review status: criteria provided, multiple submitters, no conflicts (2 of 4 stars). 3 submissions from 3 submitters: Benign (1); Likely benign (2). Last evaluated 2024-08-04.

Conditions:
Hereditary cancer-predisposing syndrome. Also called: Hereditary neoplastic syndrome; Neoplastic Syndromes, Hereditary; Tumor predisposition; Hereditary Cancer Syndrome. Identifiers: Orphanet 140162, MedGen C0027672, MeSH D009386, MONDO:0015356.
Familial adenomatous polyposis 1 (FAP1). Also called: FAMILIAL ADENOMATOUS POLYPOSIS 1, ATTENUATED; POLYPOSIS, ADENOMATOUS INTESTINAL. Identifiers: MedGen C2713442, MONDO:0021056, OMIM 175100. Disease mechanism: loss of function.

Allele frequency attached by ClinVar (database versions not stated): gnomAD exomes below 0.00001.
gnomAD v4.1: 1 of 1,614,256 alleles (0.000062%); highest among the groups gnomAD compares: Non-Finnish European, 0.000085%; no homozygotes.

Submissions (3):

Ambry Genetics
Classification: Likely benign for Hereditary cancer-predisposing syndrome. Last evaluated: 2024-08-04. Review status: criteria provided, single submitter. Criteria: Ambry Variant Classification Scheme 2023. Collection method: clinical testing. Allele origin: germline.

Myriad Genetics, Inc.
Classification: Benign for Familial adenomatous polyposis 1. Last evaluated: 2024-03-15. Review status: criteria provided, single submitter. Criteria: Myriad Autosomal Dominant, Autosomal Recessive and X-Linked Classification Criteria (2023). Collection method: clinical testing. Allele origin: unknown.
Comment: This variant is considered benign. This variant is a silent/synonymous amino acid change and it is not expected to impact splicing.

Labcorp Genetics (formerly Invitae), Labcorp
Classification: Likely benign for Familial adenomatous polyposis 1. Last evaluated: 2023-10-18. Review status: criteria provided, single submitter. Criteria: Invitae Variant Classification Sherloc (09022015). Collection method: clinical testing. Allele origin: germline.

NM_000038.6(APC):c.2865A>G (p.Glu955=)

Gene: APC (APC regulator of Wnt signaling pathway; plus strand). Cytogenetic location: 5q22.2.
Variant type: single nucleotide variant.
Coding change: c.2865A>G on transcript NM_000038.6 (MANE Select); coding-DNA position 2865, A replaced by G.
Protein change: p.Glu955=; no amino-acid change (glutamic acid 955 retained).
Molecular consequence: synonymous variant. On other transcripts: non-coding transcript variant (2).
Genome position (GRCh38, 1-based): chr5:112,838,459, A>G. VCF-style: chr5-112838459-A-G. GRCh37 (hg19) VCF-style: chr5-112174156-A-G.
Other names: c.2865A>G, p.Glu955= (NM_001127510.3, NM_001354895.2, NM_001407450.1); c.2811A>G, p.Glu937= (NM_001127511.3); c.2919A>G, p.Glu973= (NM_001354896.2, NM_001407447.1, NM_001407448.1 and 1 more transcripts); c.2895A>G, p.Glu965= (NM_001354897.2); c.2790A>G, p.Glu930= (NM_001354898.2); c.2781A>G, p.Glu927= (NM_001354899.2); c.2742A>G, p.Glu914= (NM_001354900.2); c.2688A>G, p.Glu896= (NM_001354901.2, NM_001407453.1); and 12 more.
Identifiers: ClinVar variation 2787669 (VCV002787669.5), dbSNP rs2149879057, ClinGen allele CA445963041.
Genomic context (GRCh38, chr5:112,838,459, plus strand): 5'-CAATTTCACTAAGTCGGAAAATTCAAATAGGACATGTTCTATGCCTTATGCCAAATTAGA[A>G]TACAAGAGATCTTCAAATGATAGTTTAAATAGTGTCAGTAGTAGTGATGGTTATGGTAAA-3'
Protein context (NP_000029.2, residues 945-965): RTCSMPYAKL[Glu955=]YKRSSNDSLN